The following is an entry in ClinVar:

NM_001379500.1(COL18A1):c.1043C>T (p.Pro348Leu)

Gene: COL18A1 (collagen type XVIII alpha 1 chain; plus strand). Cytogenetic location: 21q22.3.
Variant type: single nucleotide variant.
Coding change: c.1043C>T on transcript NM_001379500.1 (MANE Select); coding-DNA position 1043, C replaced by T.
Protein change: p.Pro348Leu; replaces proline 348 with leucine.
Molecular consequence: missense variant.
Genome position (GRCh38, 1-based): chr21:45,477,787, C>T. VCF-style: chr21-45477787-C-T. GRCh37 (hg19) VCF-style: chr21-46897701-C-T.
Other names: NM_130445.2:c.1043C>T; c.1583C>T, p.Pro528Leu (NM_030582.4); c.2288C>T, p.Pro763Leu (NM_130444.3); short protein forms P528L, P763L, P348L.
Identifiers: ClinVar variation 1461217 (VCV001461217.5), dbSNP rs372859456, ClinGen allele CA10066064.

ClinVar aggregate classification (germline): Uncertain significance. Review status: criteria provided, multiple submitters, no conflicts (2 of 4 stars). 3 submissions from 3 submitters: Uncertain significance (3). Last evaluated 2025-03-22.

Conditions:
Inborn genetic diseases. Identifiers: MedGen C0950123, MeSH D030342.

Allele frequency attached by ClinVar (database versions not stated): gnomAD exomes 0.00003 and 0.00008; gnomAD 0.00005 and 0.00004; ESP Exome Variant Server 0.00009; TOPMed 0.00004; ExAC 0.00007.

Submissions (3):

Ambry Genetics
Classification: Uncertain significance for Inborn genetic diseases. Last evaluated: 2025-03-22. Review status: criteria provided, single submitter. Criteria: Ambry Variant Classification Scheme 2023. Collection method: clinical testing. Allele origin: germline.

GeneDx
Classification: Uncertain significance. Last evaluated: 2023-02-03. Review status: criteria provided, single submitter. Criteria: GeneDx Variant Classification Process June 2021. Collection method: clinical testing. Allele origin: germline. Affected: yes.
Comment: In silico analysis supports that this missense variant does not alter protein structure/function; Has not been previously published as pathogenic or benign to our knowledge

Labcorp Genetics (formerly Invitae), Labcorp
Classification: Uncertain significance. Last evaluated: 2022-10-13. Review status: criteria provided, single submitter. Criteria: Invitae Variant Classification Sherloc (09022015). Collection method: clinical testing. Allele origin: germline.
Comment: This sequence change replaces proline, which is neutral and non-polar, with leucine, which is neutral and non-polar, at codon 348 of the COL18A1 protein (p.Pro348Leu). The frequency data for this variant in the population databases is considered unreliable, as metrics indicate poor data quality at this position in the gnomAD database. This variant has not been reported in the literature in individuals affected with COL18A1-related conditions. ClinVar contains an entry for this variant (Variation ID: 1461217). Experimental studies and prediction algorithms are not available or were not evaluated, and the functional significance of this variant is currently unknown. In summary, the available evidence is currently insufficient to determine the role of this variant in disease. Therefore, it has been classified as a Variant of Uncertain Significance.